The following continues an entry in ClinVar:

NM_001377.3(DYNC2H1):c.11263A>G (p.Met3755Val)

Gene: DYNC2H1. ClinVar aggregate classification (germline): Conflicting classifications of pathogenicity. Likely pathogenic (1); Uncertain significance (8); Likely benign (2).

Submissions 10 to 17 of 17:

GeneDx
Classification: Uncertain significance. Last evaluated: 2017-08-18. Review status: criteria provided, single submitter. Criteria: GeneDx Variant Classification (06012015). Collection method: clinical testing. Allele origin: germline. Affected: yes.
Comment: The M3762V variant has been published in the homozygous state in two children affected with skeletal dysplasia born to consanguineous parents; however, these children were also homozygous for another variant in the DYNC2H1 gene (Dagoneau et al., 2009). The M3762V variant is observed in 35/9648 (0.36%) alleles from individuals of African background in large population cohorts (Lek et al., 2016; 1000 Genomes Consortium et al., 2015; Exome Variant Server). The M3762V variant is a conservative amino acid substitution, which is not likely to impact secondary protein structure as these residues share similar properties. This substitution occurs at a position that is conserved across species. In silico analysis predicts this variant is probably damaging to the protein structure/function.

Eurofins Ntd Llc (ga)
Classification: Uncertain significance. Last evaluated: 2016-12-12. Review status: criteria provided, single submitter. Criteria: EGL Classification Definitions 2015. Collection method: clinical testing. Allele origin: germline. Observed: 2 variant alleles, 2 heterozygotes.

Clinical Genetics DNA and cytogenetics Diagnostics Lab, Erasmus MC, Erasmus Medical Center
Classification: Uncertain significance. Review status: no assertion criteria provided. Collection method: clinical testing. Allele origin: germline. Affected: yes. Study: VKGL Data-share Consensus. Not counted in ClinVar's aggregate classification.

Joint Genome Diagnostic Labs from Nijmegen and Maastricht, Radboudumc and MUMC+
Classification: Uncertain significance. Review status: no assertion criteria provided. Collection method: clinical testing. Allele origin: germline. Affected: yes. Study: VKGL Data-share Consensus. Not counted in ClinVar's aggregate classification.

Laboratory of Diagnostic Genome Analysis, Leiden University Medical Center (LUMC)
Classification: Uncertain significance. Review status: no assertion criteria provided. Collection method: clinical testing. Allele origin: germline. Affected: yes. Study: VKGL Data-share Consensus. Not counted in ClinVar's aggregate classification.

Dan Cohn Lab, University Of California Los Angeles
Classification: Pathogenic for Asphyxiating thoracic dystrophy. Last evaluated: 2017-06-01. Review status: flagged submission. Collection method: research. Allele origin: maternal. Affected: yes. Not counted in ClinVar's aggregate classification.
ClinVar note: Reason: Claim with insufficient supporting evidence

OMIM
Classification: Pathogenic for SHORT-RIB THORACIC DYSPLASIA 3 WITHOUT POLYDACTYLY. Last evaluated: 2009-05-01. Review status: flagged submission. Collection method: literature only. Allele origin: germline. Not counted in ClinVar's aggregate classification.
ClinVar note: Reason: Claim with insufficient supporting evidence

University of Washington Center for Mendelian Genomics, University of Washington
Classification: Likely pathogenic for asphyxiating thoracic dystrophy. Review status: flagged submission. Collection method: research. Allele origin: inherited. Affected: yes. Not counted in ClinVar's aggregate classification.
ClinVar note: Reason: Claim with insufficient supporting evidence

Literature cited by the submitters: PubMed 29068549 (cited by 4 submitters); PubMed 23339108 (cited by Women's Health and Genetics/Laboratory Corporation of America, LabCorp and Victorian Clinical Genetics Services, Murdoch Childrens Research Institute); PubMed 33875766 (cited by Women's Health and Genetics/Laboratory Corporation of America, LabCorp and Victorian Clinical Genetics Services, Murdoch Childrens Research Institute); PubMed 19442771 (cited by 3 submitters); PubMed 31943948 (cited by Women's Health and Genetics/Laboratory Corporation of America, LabCorp and Victorian Clinical Genetics Services, Murdoch Childrens Research Institute); PubMed 34788402 (cited by Victorian Clinical Genetics Services, Murdoch Childrens Research Institute).